The following is an entry in ClinVar:

NM_007294.4(BRCA1):c.5506G>T (p.Glu1836Ter)

Gene: BRCA1 (BRCA1 DNA repair associated; minus strand). Cytogenetic location: 17q21.31.
Variant type: single nucleotide variant.
Coding change: c.5506G>T on transcript NM_007294.4 (MANE Select); coding-DNA position 5506, G replaced by T.
Protein change: p.Glu1836Ter; replaces glutamic acid 1836 with a stop codon.
Molecular consequence: nonsense. On other transcripts: 3 prime UTR variant (1), non-coding transcript variant (1).
Genome position (GRCh38, 1-based): chr17:43,045,764, C>A on the plus strand (G>T on the coding strand, the complement: BRCA1 is on the minus strand). VCF-style: chr17-43045764-C-A. GRCh37 (hg19) VCF-style: chr17-41197781-C-A.
Other names: c.5122G>T, p.Glu1708Ter (NM_001407962.1, NM_001407960.1); c.2191G>T, p.Glu731Ter (NM_001408392.1, NM_001408396.1, NM_001408397.1 and 7 more transcripts); c.2116G>T, p.Glu706Ter (NM_001408415.1, NM_001408416.1, NM_001408412.1 and 2 more transcripts); c.2080G>T, p.Glu694Ter (NM_001408418.1, NM_001408419.1, NM_001408420.1); c.2077G>T, p.Glu693Ter (NM_001408421.1, NM_001408422.1, NM_001408423.1 and 1 more transcripts); c.2074G>T, p.Glu692Ter (NM_001408425.1, NM_001408426.1, NM_001408427.1 and 4 more transcripts); c.2071G>T, p.Glu691Ter (NM_001408435.1, NM_001408436.1, NM_001408437.1 and 10 more transcripts); c.2056G>T, p.Glu686Ter (NM_001408455.1, NM_001408456.1, NM_001408457.1 and 3 more transcripts); and 74 more; short protein forms E1836*, E732*, E1857*, E1789*, E1539*, E1708*, E1709*, E1746*.
Identifiers: ClinVar variation 55606 (VCV000055606.7), dbSNP rs80356942, ClinGen allele CA003679.

ClinVar aggregate classification (germline): Pathogenic. Review status: reviewed by expert panel (3 of 4 stars). 3 submissions from 3 submitters: Pathogenic (1). 2 of the submissions do not count toward it. Last evaluated 2016-09-08.

Conditions:
Breast-ovarian cancer, familial, susceptibility to, 1 (BROVCA1). Also called: BRCA1 Hereditary Breast and Ovarian Cancer; OVARIAN CANCER, SUSCEPTIBILITY TO. Identifiers: Orphanet 145, MedGen C2676676, MONDO:0011450, OMIM 604370. Disease mechanism: loss of function.

Submissions (4):

Evidence-based Network for the Interpretation of Germline Mutant Alleles (ENIGMA)
Classification: Pathogenic for Breast-ovarian cancer, familial, susceptibility to, 1. Last evaluated: 2016-09-08. Review status: reviewed by expert panel. Criteria: ENIGMA BRCA1/2 Classification Criteria (2015). Collection method: curation. Allele origin: germline.
Comment: Variant allele predicted to encode a truncated non-functional protein.

Consortium of Investigators of Modifiers of BRCA1/2 (CIMBA), c/o University of Cambridge
Classification: Pathogenic for Breast-ovarian cancer, familial, susceptibility to, 1. Last evaluated: 2015-10-02. Review status: criteria provided, single submitter. Criteria: CIMBA Mutation Classification guidelines May 2016. Collection method: clinical testing. Allele origin: germline. Not counted in ClinVar's aggregate classification.

Breast Cancer Information Core (BIC) (BRCA1)
Classification: Pathogenic for Breast-ovarian cancer, familial 1. Last evaluated: 1997-11-18. Review status: no assertion criteria provided. Collection method: clinical testing. Allele origin: germline. Affected: yes. Observed: 1 variant allele. Not counted in ClinVar's aggregate classification.

Brotman Baty Institute, University of Washington
No classification provided (evidence only). Condition: Breast-ovarian cancer, familial 1. Review status: no classification provided. Collection method: in vitro. Allele origin: not applicable. Functional consequence: functionally_abnormal. Not counted in ClinVar's aggregate classification.
ClinVar note: "not provided" was previously submitted as the classification for the variant. However, the classification appeared to be based only on an observation of functional data so it was converted to no classification on 2025-07-30.